The following is an entry in ClinVar:

NM_014319.5(LEMD3):c.1345C>T (p.Pro449Ser)

Gene: LEMD3 (LEM domain containing 3; plus strand). Cytogenetic location: 12q14.3.
Variant type: single nucleotide variant.
Coding change: c.1345C>T on transcript NM_014319.5 (MANE Select); coding-DNA position 1345, C replaced by T.
Protein change: p.Pro449Ser; replaces proline 449 with serine.
Molecular consequence: missense variant.
Genome position (GRCh38, 1-based): chr12:65,170,941, C>T. VCF-style: chr12-65170941-C-T. GRCh37 (hg19) VCF-style: chr12-65564721-C-T.
Other names: c.1345C>T (NM_014319.4); c.1345C>T, p.Pro449Ser (NM_001167614.2); short protein forms P449S.
Identifiers: ClinVar variation 2899834 (VCV002899834.4), dbSNP rs371748000, ClinGen allele CA6670891.
Genomic context (GRCh38, chr12:65,170,941, plus strand): 5'-CATACGGGCTCCAATCATACCTACCTGAAAAACACATACAACAAACCGAAGCTTTCCGAA[C>T]CCGAAGAGGAACTTCTCCAGCAATTTAAACGGGAGGAGGTGTCCCCAACAGGGAGTTTCA-3'
Protein context (NP_055134.2, residues 439-459): NTYNKPKLSE[Pro449Ser]EEELLQQFKR

ClinVar aggregate classification (germline): Uncertain significance. Review status: criteria provided, multiple submitters, no conflicts (2 of 4 stars). 2 submissions from 2 submitters: Uncertain significance (2). Last evaluated 2024-09-08.

Conditions:
Inborn genetic diseases. Identifiers: MedGen C0950123, MeSH D030342.

Allele frequency attached by ClinVar (database versions not stated): gnomAD exomes below 0.00001; ExAC 0.00001; gnomAD 0.00001; TOPMed 0.00001; ESP Exome Variant Server 0.00008.
gnomAD v4.1: 5 of 1,614,090 alleles (0.00031%); highest among the groups gnomAD compares: Non-Finnish European, 0.00042%; no homozygotes.

Submissions (2):

Ambry Genetics
Classification: Uncertain significance for Inborn genetic diseases. Last evaluated: 2024-09-08. Review status: criteria provided, single submitter. Criteria: Ambry Variant Classification Scheme 2023. Collection method: clinical testing. Allele origin: germline.

Labcorp Genetics (formerly Invitae), Labcorp
Classification: Uncertain significance. Last evaluated: 2024-01-16. Review status: criteria provided, single submitter. Criteria: Invitae Variant Classification Sherloc (09022015). Collection method: clinical testing. Allele origin: germline.
Comment: This sequence change replaces proline, which is neutral and non-polar, with serine, which is neutral and polar, at codon 449 of the LEMD3 protein (p.Pro449Ser). This variant is present in population databases (rs371748000, gnomAD 0.0009%). This variant has not been reported in the literature in individuals affected with LEMD3-related conditions. Advanced modeling of protein sequence and biophysical properties (such as structural, functional, and spatial information, amino acid conservation, physicochemical variation, residue mobility, and thermodynamic stability) performed at Invitae indicates that this missense variant is not expected to disrupt LEMD3 protein function with a negative predictive value of 80%. In summary, the available evidence is currently insufficient to determine the role of this variant in disease. Therefore, it has been classified as a Variant of Uncertain Significance.